The following is an entry in ClinVar:

NM_001100.4(ACTA1):c.536G>T (p.Arg179Leu)

Gene: ACTA1 (actin alpha 1, skeletal muscle; minus strand). Cytogenetic location: 1q42.13.
Variant type: single nucleotide variant.
Coding change: c.536G>T on transcript NM_001100.4 (MANE Select); coding-DNA position 536, G replaced by T.
Protein change: p.Arg179Leu; replaces arginine 179 with leucine.
Molecular consequence: missense variant.
Genome position (GRCh38, 1-based): chr1:229,432,350, C>A on the plus strand (G>T on the coding strand, the complement: ACTA1 is on the minus strand). VCF-style: chr1-229432350-C-A. GRCh37 (hg19) VCF-style: chr1-229568097-C-A.
Identifiers: ClinVar variation 166652 (VCV000166652.7), dbSNP rs727503797, ClinGen allele CA233440.

ClinVar aggregate classification (germline): Likely pathogenic. Review status: criteria provided, multiple submitters, no conflicts (2 of 4 stars). 2 submissions from 2 submitters: Likely pathogenic (2). Last evaluated 2025-02-13.

Conditions:
ACTA1-related disorder. Also called: ACTA1-related condition.

Submissions (2):

PreventionGenetics, part of Exact Sciences
Classification: Likely pathogenic for ACTA1-related condition. Last evaluated: 2025-02-13. Review status: criteria provided, single submitter. Criteria: ACMG Guidelines, 2015. Collection method: clinical testing. Allele origin: germline.
Comment: The ACTA1 c.536G>T variant is predicted to result in the amino acid substitution p.Arg179Leu. To our knowledge, this variant has not been reported in the literature or in a large population database (gnomAD), indicating this variant is rare. This variant is interpreted as likely pathogenic.

Eurofins Ntd Llc (ga)
Classification: Likely pathogenic. Last evaluated: 2014-05-22. Review status: criteria provided, single submitter. Criteria: EGL Classification Definitions. Collection method: clinical testing. Allele origin: germline. Observed: 1 variant allele, 1 heterozygote.